The following is an entry in ClinVar:

ClinVar aggregate classification (germline): Uncertain significance (1 of 4 stars; one submission).

Conditions:
Generalized epilepsy with febrile seizures plus, type 7 (GEFSP7). Also called: GEFS+, TYPE 7. Identifiers: Orphanet 36387, MedGen C2751778, MONDO:0013470, OMIM 613863.
Neuropathy, hereditary sensory and autonomic, type 2A (HSAN2A). Also called: MORVAN DISEASE; WNK1-Related HSAN2 (HSAN2A); NEUROPATHY, CONGENITAL SENSORY; NEUROPATHY, HEREDITARY SENSORY RADICULAR, AUTOSOMAL RECESSIVE; NEUROPATHY, HEREDITARY SENSORY, TYPE IIA; NEUROPATHY, PROGRESSIVE SENSORY, OF CHILDREN. Identifiers: Orphanet 970, MedGen C2752089, MONDO:0024309, OMIM 201300.

Submission:

Labcorp Genetics (formerly Invitae), Labcorp
Classification: Uncertain significance for Neuropathy, hereditary sensory and autonomic, type 2A; Generalized epilepsy with febrile seizures plus, type 7. Last evaluated: 2025-04-14. Review status: criteria provided, single submitter. Criteria: Invitae Variant Classification Sherloc (09022015). Collection method: clinical testing. Allele origin: germline.
Comment: This sequence change replaces serine, which is neutral and polar, with proline, which is neutral and non-polar, at codon 1004 of the SCN9A protein (p.Ser1004Pro). This variant is not present in population databases (gnomAD no frequency). This variant has not been reported in the literature in individuals affected with SCN9A-related conditions. ClinVar contains an entry for this variant (Variation ID: 2059404). Invitae Evidence Modeling of protein sequence and biophysical properties (such as structural, functional, and spatial information, amino acid conservation, physicochemical variation, residue mobility, and thermodynamic stability) indicates that this missense variant is not expected to disrupt SCN9A protein function with a negative predictive value of 95%. In summary, the available evidence is currently insufficient to determine the role of this variant in disease. Therefore, it has been classified as a Variant of Uncertain Significance.

NM_001365536.1(SCN9A):c.3043T>C (p.Ser1015Pro)

Genes: SCN1A-AS1 (SCN1A and SCN9A antisense RNA 1; plus strand), SCN9A (sodium voltage-gated channel alpha subunit 9; minus strand). Cytogenetic location: 2q24.3.
Variant type: single nucleotide variant.
Coding change: c.3043T>C on transcript NM_001365536.1 (MANE Select); coding-DNA position 3043, T replaced by C.
Protein change: p.Ser1015Pro; replaces serine 1015 with proline.
Molecular consequence: missense variant.
Genome position (GRCh38, 1-based): chr2:166,272,707, A>G on the plus strand (T>C on the coding strand, the complement: SCN9A is on the minus strand). VCF-style: chr2-166272707-A-G. GRCh37 (hg19) VCF-style: chr2-167129217-A-G.
Other names: c.3010T>C, p.Ser1004Pro (NM_002977.4); short protein forms S1015P, S1004P.
Identifiers: ClinVar variation 2059404 (VCV002059404.4), dbSNP rs2467984983, ClinGen allele CA349074259.